The following is an entry in ClinVar:

NM_018896.5(CACNA1G):c.5862A>T (p.Ala1954=)

Gene: CACNA1G (calcium voltage-gated channel subunit alpha1 G; plus strand). Cytogenetic location: 17q21.33.
Variant type: single nucleotide variant.
Coding change: c.5862A>T on transcript NM_018896.5 (MANE Select); coding-DNA position 5862, A replaced by T.
Protein change: p.Ala1954=; no amino-acid change (alanine 1954 retained).
Molecular consequence: synonymous variant. On other transcripts: intron variant (20).
Genome position (GRCh38, 1-based): chr17:50,619,763, A>T. VCF-style: chr17-50619763-A-T. GRCh37 (hg19) VCF-style: chr17-48697124-A-T.
Other names: c.5808A>T, p.Ala1936= (NM_001256324.2); c.5727A>T, p.Ala1909= (NM_001256326.2); c.5829A>T, p.Ala1943= (NM_198377.3, NM_198380.3); c.5760A>T, p.Ala1920= (NM_198379.3, NM_198396.3); c.5862A>T, p.Ala1954= (NM_198385.3); c.5802+755A>T (NM_001256325.2); c.5748+755A>T (NM_198378.3, NM_001256334.2); c.5781+755A>T (NM_198384.3, NM_001256333.2); and 12 more.
Identifiers: ClinVar variation 5039126 (VCV005039126.1).
Genomic context (GRCh38, chr17:50,619,763, plus strand): 5'-CATATCCCTGCTGATCCAGGGCTCCCTGGAGTGGGAGCTGAAGCTGATGGACGAGCTGGC[A>T]GGCCCAGGGGGCCAGCCCTCTGCCTTCCCTTCTGCCCCCAGCCTGGGAGGCTCCGACCCA-3'
Protein context (NP_061496.2, residues 1944-1964): EWELKLMDEL[Ala1954=]GPGGQPSAFP

ClinVar aggregate classification (germline): Likely benign (1 of 4 stars; one submission).

Submission:

CeGaT Center for Human Genetics Tuebingen
Classification: Likely benign. Last evaluated: 2026-07-01. Review status: criteria provided, single submitter. Criteria: CeGaT Center For Human Genetics Tuebingen Variant Classification Criteria Version 2. Collection method: clinical testing. Allele origin: germline. Affected: yes. Observed: 1 variant allele.
Comment: CACNA1G: PM2:Supporting, BP4, BP7